The following is an entry in ClinVar:

NM_152703.5(SAMD9L):c.656A>T (p.Asn219Ile)

Gene: SAMD9L (sterile alpha motif domain containing 9 like; minus strand). Cytogenetic location: 7q21.2.
Variant type: single nucleotide variant.
Coding change: c.656A>T on transcript NM_152703.5 (MANE Select); coding-DNA position 656, A replaced by T.
Protein change: p.Asn219Ile; replaces asparagine 219 with isoleucine.
Molecular consequence: missense variant.
Genome position (GRCh38, 1-based): chr7:93,135,316, T>A on the plus strand (A>T on the coding strand, the complement: SAMD9L is on the minus strand). VCF-style: chr7-93135316-T-A. GRCh37 (hg19) VCF-style: chr7-92764629-T-A.
Other names: c.656A>T, p.Asn219Ile (NM_001303496.3, NM_001303497.3, NM_001303498.3 and 5 more transcripts); short protein forms N219I.
Identifiers: ClinVar variation 4159238 (VCV004159238.1).

ClinVar aggregate classification (germline): Uncertain significance (1 of 4 stars; one submission).

Conditions:
Inborn genetic diseases. Identifiers: MedGen C0950123, MeSH D030342.

Submission:

Ambry Genetics
Classification: Uncertain significance for Inborn genetic diseases. Last evaluated: 2025-06-15. Review status: criteria provided, single submitter. Criteria: Ambry Variant Classification Scheme 2023. Collection method: clinical testing. Allele origin: germline.
Comment: The p.N219I variant (also known as c.656A>T), located in coding exon 1 of the SAMD9L gene, results from an A to T substitution at nucleotide position 656. The asparagine at codon 219 is replaced by isoleucine, an amino acid with dissimilar properties. This amino acid position is conserved. In addition, this alteration is predicted to be tolerated by in silico analysis. Based on the available evidence, the clinical significance of this variant remains unclear.